The following is an entry in ClinVar:

NM_020436.5(SALL4):c.3105C>T (p.Gly1035=)

Gene: SALL4 (spalt like transcription factor 4; minus strand). Cytogenetic location: 20q13.2.
Variant type: single nucleotide variant.
Coding change: c.3105C>T on transcript NM_020436.5 (MANE Select); coding-DNA position 3105, C replaced by T.
Protein change: p.Gly1035=; no amino-acid change (glycine 1035 retained).
Molecular consequence: synonymous variant.
Genome position (GRCh38, 1-based): chr20:51,784,322, G>A on the plus strand (C>T on the coding strand, the complement: SALL4 is on the minus strand). VCF-style: chr20-51784322-G-A. GRCh37 (hg19) VCF-style: chr20-50400861-G-A.
Other names: c.1794C>T, p.Gly598= (NM_001318031.2).
Identifiers: ClinVar variation 2703008 (VCV002703008.23), dbSNP rs555887614, ClinGen allele CA9911917.

ClinVar aggregate classification (germline): Benign/Likely benign. Review status: criteria provided, multiple submitters, no conflicts (2 of 4 stars). 3 submissions from 3 submitters: Benign (1); Likely benign (2). Last evaluated 2025-09-08.

Conditions:
Duane-radial ray syndrome (DRRS). Also called: ACRORENOOCULAR SYNDROME; DR SYNDROME; DUANE ANOMALY WITH RADIAL RAY ABNORMALITIES AND DEAFNESS; Okihiro Syndrome; Duane-Radial Ray Syndrome/Okihiro Syndrome; Duane-Radial Ray Syndrome (DRRS) / Okihiro Syndrome. Identifiers: Orphanet 93293, Orphanet 959, MedGen C1623209, MONDO:0011812, OMIM 607323. Disease mechanism: gain of function.

Allele frequency attached by ClinVar (database versions not stated): TOPMed 0.00006; gnomAD 0.00009; 1000 Genomes Project 30x 0.00047; 1000 Genomes Project 0.00060.
gnomAD v4.1: 174 of 1,614,158 alleles (0.011%); highest among the groups gnomAD compares: South Asian, 0.17%; 4 homozygotes.

Submissions (3):

Labcorp Genetics (formerly Invitae), Labcorp
Classification: Benign for Duane-radial ray syndrome. Last evaluated: 2025-09-08. Review status: criteria provided, single submitter. Criteria: Invitae Variant Classification Sherloc (09022015). Collection method: clinical testing. Allele origin: germline.

Blueprint Genetics
Classification: Likely benign. Last evaluated: 2024-11-01. Review status: criteria provided, single submitter. Criteria: ACMG Guidelines, 2015. Collection method: clinical testing. Allele origin: germline.

CeGaT Center for Human Genetics Tuebingen
Classification: Likely benign. Last evaluated: 2024-04-01. Review status: criteria provided, single submitter. Criteria: CeGaT Center For Human Genetics Tuebingen Variant Classification Criteria Version 2. Collection method: clinical testing. Allele origin: germline. Affected: yes. Observed: 1 variant allele.
Comment: SALL4: BP4, BP7, BS1